The following is an entry in ClinVar:

ClinVar aggregate classification (germline): Conflicting classifications of pathogenicity. Review status: criteria provided, conflicting classifications (1 of 4 stars). 3 submissions from 3 submitters: Uncertain significance (1); Likely benign (1). 1 of the submissions does not count toward it. Last evaluated 2019-09-08.

Conditions:
Cardiovascular phenotype. Identifiers: MedGen CN230736.
Sitosterolemia 1. Identifiers: MedGen C2749759, MONDO:0020747, OMIM 210250.
ABCG8-related disorder. Also called: ABCG8-related condition.

Allele frequency attached by ClinVar (database versions not stated): gnomAD exomes 0.00001 and 0.00002; ExAC 0.00002; gnomAD 0.00010 and 0.00011; TOPMed 0.00014; ESP Exome Variant Server 0.00015.
gnomAD v4.1: 30 of 1,614,072 alleles (0.0019%); highest among the groups gnomAD compares: African/African-American, 0.036%; no homozygotes.

Submissions (3):

Ambry Genetics
Classification: Likely benign for Cardiovascular phenotype. Last evaluated: 2019-09-08. Review status: criteria provided, single submitter. Criteria: Ambry Variant Classification Scheme 2023. Collection method: clinical testing. Allele origin: germline.

Illumina Laboratory Services, Illumina
Classification: Uncertain significance for Sitosterolemia 1. Last evaluated: 2018-01-12. Review status: criteria provided, single submitter. Criteria: ICSL Variant Classification Criteria 13 December 2019. Collection method: clinical testing. Allele origin: germline.

PreventionGenetics, part of Exact Sciences
Classification: Likely benign for ABCG8-related condition. Last evaluated: 2021-12-29. Review status: no assertion criteria provided. Collection method: clinical testing. Allele origin: germline. Not counted in ClinVar's aggregate classification.
Comment: This variant is classified as likely benign based on ACMG/AMP sequence variant interpretation guidelines (Richards et al. 2015 PMID: 25741868, with internal and published modifications).

NM_022437.3(ABCG8):c.762C>T (p.Thr254=)

Gene: ABCG8 (ATP binding cassette subfamily G member 8; plus strand). Cytogenetic location: 2p21.
Variant type: single nucleotide variant.
Coding change: c.762C>T on transcript NM_022437.3 (MANE Select); coding-DNA position 762, C replaced by T.
Protein change: p.Thr254=; no amino-acid change (threonine 254 retained).
Molecular consequence: synonymous variant.
Genome position (GRCh38, 1-based): chr2:43,852,666, C>T. VCF-style: chr2-43852666-C-T. GRCh37 (hg19) VCF-style: chr2-44079805-C-T.
Other names: c.762C>T, p.Thr254= (NM_001357321.2).
Identifiers: ClinVar variation 336073 (VCV000336073.9), dbSNP rs148006993, ClinGen allele CA1637167.